The following is an entry in ClinVar:

NM_021098.3(CACNA1H):c.5808C>T (p.Pro1936=)

Gene: CACNA1H (calcium voltage-gated channel subunit alpha1 H; plus strand). Cytogenetic location: 16p13.3.
Variant type: single nucleotide variant.
Coding change: c.5808C>T on transcript NM_021098.3 (MANE Select); coding-DNA position 5808, C replaced by T.
Protein change: p.Pro1936=; no amino-acid change (proline 1936 retained).
Molecular consequence: synonymous variant.
Genome position (GRCh38, 1-based): chr16:1,218,572, C>T. VCF-style: chr16-1218572-C-T. GRCh37 (hg19) VCF-style: chr16-1268572-C-T.
Other names: c.5790C>T, p.Pro1930= (NM_001005407.2).
Identifiers: ClinVar variation 775003 (VCV000775003.16), dbSNP rs374421144, ClinGen allele CA7802131.
Genomic context (GRCh38, chr16:1,218,572, plus strand): 5'-ACGCAAGGTGTCCGTGTCCAGGATGCTCTCGCTGCCCAACGACAGCTACATGTTCAGGCC[C>T]GTGGTGCCTGCCTCGGCGCCCCACCCCCGCCCGCTGCAGGAGGTGGAGATGGAGACCTAT-3'
Protein context (NP_066921.2, residues 1926-1946): SLPNDSYMFR[Pro1936=]VVPASAPHPR

ClinVar aggregate classification (germline): Benign/Likely benign. Review status: criteria provided, multiple submitters, no conflicts (2 of 4 stars). 5 submissions from 5 submitters: Benign (1); Likely benign (3). 1 of the submissions does not count toward it. Last evaluated 2026-03-18.

Conditions:
Epilepsy, childhood absence, susceptibility to, 6. Identifiers: Orphanet 64280, MedGen C2749872, MONDO:0012763, OMIM 611942.
Hyperaldosteronism, familial, type IV (HALD4). Also called: FH IV; ALDOSTERONISM, PRIMARY, AND HYPERTENSION. Identifiers: Orphanet 642671, MedGen C4310756, MONDO:0014875, OMIM 617027.
CACNA1H-related disorder.
Idiopathic generalized epilepsy. Also called: Generalised epilepsy; EIG. Identifiers: MedGen C0270850, MONDO:0005579, OMIM 600669.

Allele frequency attached by ClinVar (database versions not stated): gnomAD exomes 0.00020; ExAC 0.00045; 1000 Genomes Project 0.00060; gnomAD 0.00060 and 0.00063; TOPMed 0.00071; ESP Exome Variant Server 0.00072; 1000 Genomes Project 30x 0.00078.
gnomAD v4.1: 201 of 1,564,856 alleles (0.013%); highest among the groups gnomAD compares: African/African-American, 0.17%; no homozygotes.

Submissions (5):

Women's Health and Genetics/Laboratory Corporation of America, LabCorp
Classification: Likely benign. Last evaluated: 2026-03-18. Review status: criteria provided, single submitter. Criteria: LabCorp Variant Classification Summary - May 2015. Collection method: clinical testing. Allele origin: germline.

Labcorp Genetics (formerly Invitae), Labcorp
Classification: Benign for Idiopathic generalized epilepsy; Hyperaldosteronism, familial, type IV. Last evaluated: 2026-01-28. Review status: criteria provided, single submitter. Criteria: Invitae Variant Classification Sherloc (09022015). Collection method: clinical testing. Allele origin: germline.

Blueprint Genetics
Classification: Likely benign. Last evaluated: 2024-10-09. Review status: criteria provided, single submitter. Criteria: ACMG Guidelines, 2015. Collection method: clinical testing. Allele origin: germline.

Fulgent Genetics
Classification: Likely benign for Epilepsy, childhood absence, susceptibility to, 6; Hyperaldosteronism, familial, type IV. Last evaluated: 2021-10-08. Review status: criteria provided, single submitter. Criteria: ACMG Guidelines, 2015. Collection method: clinical testing. Allele origin: unknown.

PreventionGenetics, part of Exact Sciences
Classification: Likely benign for CACNA1H-related condition. Last evaluated: 2019-06-18. Review status: no assertion criteria provided. Collection method: clinical testing. Allele origin: germline. Not counted in ClinVar's aggregate classification.
Comment: This variant is classified as likely benign based on ACMG/AMP sequence variant interpretation guidelines (Richards et al. 2015 PMID: 25741868, with internal and published modifications).